The following is an entry in ClinVar:

NM_001135556.2(DYNC1I1):c.897A>T (p.Glu299Asp)

Gene: DYNC1I1 (dynein cytoplasmic 1 intermediate chain 1; plus strand). Cytogenetic location: 7q21.3.
Variant type: single nucleotide variant.
Coding change: c.897A>T on transcript NM_001135556.2 (MANE Select); coding-DNA position 897, A replaced by T.
Protein change: p.Glu299Asp; replaces glutamic acid 299 with aspartic acid.
Molecular consequence: missense variant.
Genome position (GRCh38, 1-based): chr7:95,996,001, A>T. VCF-style: chr7-95996001-A-T. GRCh37 (hg19) VCF-style: chr7-95625313-A-T.
Other names: c.837A>T, p.Glu279Asp (NM_001135557.2, NM_001278422.2); c.888A>T, p.Glu296Asp (NM_001278421.2); c.948A>T, p.Glu316Asp (NM_004411.5); short protein forms E279D, E296D, E316D, E299D.
Identifiers: ClinVar variation 3007431 (VCV003007431.3), dbSNP rs771966085, ClinGen allele CA163503808.

ClinVar aggregate classification (germline): Uncertain significance (1 of 4 stars; one submission).

Allele frequency attached by ClinVar (database versions not stated): TOPMed below 0.00001; gnomAD 0.00001; gnomAD exomes 0.00001.
gnomAD v4.1: 15 of 1,613,250 alleles (0.00093%); highest among the groups gnomAD compares: African/African-American, 0.0013%; no homozygotes.

Submission:

Labcorp Genetics (formerly Invitae), Labcorp
Classification: Uncertain significance. Last evaluated: 2023-06-14. Review status: criteria provided, single submitter. Criteria: Invitae Variant Classification Sherloc (09022015). Collection method: clinical testing. Allele origin: germline.
Comment: This sequence change replaces glutamic acid, which is acidic and polar, with aspartic acid, which is acidic and polar, at codon 316 of the DYNC1I1 protein (p.Glu316Asp). This variant is present in population databases (rs771966085, gnomAD 0.0009%). This variant has not been reported in the literature in individuals affected with DYNC1I1-related conditions. An algorithm developed to predict the effect of missense changes on protein structure and function (PolyPhen-2) suggests that this variant is likely to be tolerated. In summary, the available evidence is currently insufficient to determine the role of this variant in disease. Therefore, it has been classified as a Variant of Uncertain Significance.